The following is an entry in ClinVar:

ClinVar aggregate classification (germline): Likely benign (0 of 4 stars; one submission).

Conditions:
CGNL1-related disorder. Also called: CGNL1-related condition.

Allele frequency attached by ClinVar (database versions not stated): ExAC 0.00002; TOPMed 0.00002; gnomAD exomes 0.00003.
gnomAD v4.1: 15 of 1,614,138 alleles (0.00093%); highest among the groups gnomAD compares: Admixed American, 0.025%; no homozygotes.

Submission:

PreventionGenetics, part of Exact Sciences
Classification: Likely benign for CGNL1-related condition. Last evaluated: 2019-04-02. Review status: no assertion criteria provided. Collection method: clinical testing. Allele origin: germline.
Comment: This variant is classified as likely benign based on ACMG/AMP sequence variant interpretation guidelines (Richards et al. 2015 PMID: 25741868, with internal and published modifications).

NM_032866.5(CGNL1):c.816G>A (p.Arg272=)

Gene: CGNL1 (cingulin like 1; plus strand). Cytogenetic location: 15q21.3.
Variant type: single nucleotide variant.
Coding change: c.816G>A on transcript NM_032866.5 (MANE Select); coding-DNA position 816, G replaced by A.
Protein change: p.Arg272=; no amino-acid change (arginine 272 retained).
Molecular consequence: synonymous variant.
Genome position (GRCh38, 1-based): chr15:57,438,815, G>A. VCF-style: chr15-57438815-G-A. GRCh37 (hg19) VCF-style: chr15-57731013-G-A.
Other names: c.816G>A, p.Arg272= (NM_001252335.2).
Identifiers: ClinVar variation 3046486 (VCV003046486.2), dbSNP rs746906487, ClinGen allele CA7581632.